The following is an entry in ClinVar:

ClinVar aggregate classification (germline): Likely benign (1 of 4 stars; one submission).

Conditions:
RPL5-related disorder. Also called: RPL5-related condition.

gnomAD v4.1: 3 of 1,611,742 alleles (0.00019%); highest among the groups gnomAD compares: African/African-American, 0.004%; no homozygotes.

Submission:

PreventionGenetics, part of Exact Sciences
Classification: Likely benign for RPL5-related condition. Last evaluated: 2025-10-11. Review status: criteria provided, single submitter. Criteria: ACMG Guidelines, 2015. Collection method: clinical testing. Allele origin: germline.
Comment: This variant is classified as likely benign based on ACMG/AMP sequence variant interpretation guidelines (Richards et al. 2015 PMID: 25741868, with internal and published modifications).

NM_000969.5(RPL5):c.840A>C (p.Val280=)

Genes: DIPK1A (divergent protein kinase domain 1A; minus strand), RPL5 (ribosomal protein L5; plus strand). Cytogenetic location: 1p22.1.
Variant type: single nucleotide variant.
Coding change: c.840A>C on transcript NM_000969.5 (MANE Select); coding-DNA position 840, A replaced by C.
Protein change: p.Val280=; no amino-acid change (valine 280 retained).
Molecular consequence: synonymous variant. On other transcripts: non-coding transcript variant (1), intron variant (1).
Genome position (GRCh38, 1-based): chr1:92,841,811, A>C. VCF-style: chr1-92841811-A-C. GRCh37 (hg19) VCF-style: chr1-93307368-A-C.
Other names: c.474+5372T>G (NM_001252273.2).
Identifiers: ClinVar variation 4992894 (VCV004992894.1).
Genomic context (GRCh38, chr1:92,841,811, plus strand): 5'-TCCTATCTTTTGTAGGTGGAACCGTCCCAAAATGTCCCTTGCTCAGAAGAAGGATCGGGT[A>C]GCTCAAAAGAAGGCAAGCTTCCTCAGAGCTCAGGAGCGGGCTGCTGAGAGCTAAACCCAG-3'
Protein context (NP_000960.2, residues 270-290): KMSLAQKKDR[Val280=]AQKKASFLRA